The following is an entry in ClinVar:

NM_017514.5(PLXNA3):c.5196G>A (p.Pro1732=)

Gene: PLXNA3 (plexin A3; plus strand). Cytogenetic location: Xq28.
Variant type: single nucleotide variant.
Coding change: c.5196G>A on transcript NM_017514.5 (MANE Select); coding-DNA position 5196, G replaced by A.
Protein change: p.Pro1732=; no amino-acid change (proline 1732 retained).
Molecular consequence: synonymous variant.
Genome position (GRCh38, 1-based): chrX:154,471,144, G>A. VCF-style: chrX-154471144-G-A. GRCh37 (hg19) VCF-style: chrX-153699487-G-A.
Identifiers: ClinVar variation 4985858 (VCV004985858.1).

ClinVar aggregate classification (germline): Likely benign (1 of 4 stars; one submission).

Conditions:
PLXNA3-related disorder. Also called: PLXNA3-related condition.

gnomAD v4.1: 13 of 1,209,163 alleles (0.0011%); highest among the groups gnomAD compares: Admixed American, 0.0022%; no homozygotes.

Submission:

PreventionGenetics, part of Exact Sciences
Classification: Likely benign for PLXNA3-related condition. Last evaluated: 2024-12-16. Review status: criteria provided, single submitter. Criteria: ACMG Guidelines, 2015. Collection method: clinical testing. Allele origin: germline.
Comment: This variant is classified as likely benign based on ACMG/AMP sequence variant interpretation guidelines (Richards et al. 2015 PMID: 25741868, with internal and published modifications).